The following is an entry in ClinVar:

NM_018706.7(DHTKD1):c.1961G>A (p.Ser654Asn)

Gene: DHTKD1 (dehydrogenase E1 and transketolase domain containing 1; plus strand). Cytogenetic location: 10p14.
Variant type: single nucleotide variant.
Coding change: c.1961G>A on transcript NM_018706.7 (MANE Select); coding-DNA position 1961, G replaced by A.
Protein change: p.Ser654Asn; replaces serine 654 with asparagine.
Molecular consequence: missense variant.
Genome position (GRCh38, 1-based): chr10:12,106,310, G>A. VCF-style: chr10-12106310-G-A. GRCh37 (hg19) VCF-style: chr10-12148309-G-A.
Other names: short protein forms S654N.
Identifiers: ClinVar variation 1378423 (VCV001378423.6), dbSNP rs748103025, ClinGen allele CA376011283.

ClinVar aggregate classification (germline): Uncertain significance (1 of 4 stars; one submission).

Conditions:
2-aminoadipic 2-oxoadipic aciduria (AAKAD). Also called: ALPHA-AMINOADIPIC AND ALPHA-KETOADIPIC ACIDURIA; Aminoadipic aciduria. Identifiers: Orphanet 79154, MedGen C1859817, MONDO:0008774, OMIM 204750.

Submission:

Labcorp Genetics (formerly Invitae), Labcorp
Classification: Uncertain significance for 2-aminoadipic 2-oxoadipic aciduria. Last evaluated: 2021-11-09. Review status: criteria provided, single submitter. Criteria: Invitae Variant Classification Sherloc (09022015). Collection method: clinical testing. Allele origin: germline.
Comment: This sequence change replaces serine, which is neutral and polar, with asparagine, which is neutral and polar, at codon 654 of the DHTKD1 protein (p.Ser654Asn). This variant is not present in population databases (gnomAD no frequency). This variant has not been reported in the literature in individuals affected with DHTKD1-related conditions. Algorithms developed to predict the effect of missense changes on protein structure and function (SIFT, PolyPhen-2, Align-GVGD) all suggest that this variant is likely to be tolerated. In summary, the available evidence is currently insufficient to determine the role of this variant in disease. Therefore, it has been classified as a Variant of Uncertain Significance.